The following is an entry in ClinVar:

NM_001321120.2(TBX4):c.569A>C (p.His190Pro)

Gene: TBX4 (T-box transcription factor 4; plus strand). Cytogenetic location: 17q23.2.
Variant type: single nucleotide variant.
Coding change: c.569A>C on transcript NM_001321120.2 (MANE Select); coding-DNA position 569, A replaced by C.
Protein change: p.His190Pro; replaces histidine 190 with proline.
Molecular consequence: missense variant.
Genome position (GRCh38, 1-based): chr17:61,478,646, A>C. VCF-style: chr17-61478646-A-C. GRCh37 (hg19) VCF-style: chr17-59556007-A-C.
Other names: c.569A>C, p.His190Pro (NM_018488.3); short protein forms H190P.
Identifiers: ClinVar variation 1214651 (VCV001214651.6), dbSNP rs2143856758, ClinGen allele CA400472551.
Genomic context (GRCh38, chr17:61,478,646, plus strand): 5'-GATGGGGACCTGGAGCTCAGCATGAGACCCTTCTCTTCCAGATCATCCTCAACTCTATGC[A>C]CAAGTACCAGCCGCGGCTCCACATCGTTAAGGCTGATGAGAACAATGCTTTCGGCTCCAA-3'
Protein context (NP_001308049.1, residues 180-200): PFGHIILNSM[His190Pro]KYQPRLHIVK

ClinVar aggregate classification (germline): Conflicting classifications of pathogenicity. Review status: criteria provided, conflicting classifications (1 of 4 stars). 2 submissions from 2 submitters: Likely pathogenic (1); Uncertain significance (1). Last evaluated 2019-04-24.

Conditions:
Pulmonary hypertension, primary, 1 (PPH1). Also called: Pulmonary hypertension, familial primary, 1, with or without HHT. Identifiers: Orphanet 422, MedGen C4552070, MONDO:0024533, OMIM 178600.

Submissions (2):

GeneDx
Classification: Uncertain significance. Last evaluated: 2019-04-24. Review status: criteria provided, single submitter. Criteria: GeneDx Variant Classification Process June 2021. Collection method: clinical testing. Allele origin: germline. Affected: yes.
Comment: In silico analysis, which includes protein predictors and evolutionary conservation, supports a deleterious effect; Not observed in large population cohorts (Lek et al., 2016); This variant is associated with the following publications: (PMID: 29631995)

Wendy Chung Laboratory, Boston Children's Hospital
Classification: Likely pathogenic for Pulmonary hypertension, primary, 1. Last evaluated: 2018-04-01. Review status: criteria provided, single submitter. Criteria: ACMG Guidelines, 2015. Collection method: research. Allele origin: unknown. Inheritance: Autosomal dominant inheritance. Affected: yes.

Literature cited by the submitters: PubMed 29631995 (cited by Wendy Chung Laboratory, Boston Children's Hospital).